The following is an entry in ClinVar:

NM_000548.5(TSC2):c.3991G>C (p.Asp1331His)

Gene: TSC2 (TSC complex subunit 2; plus strand). Cytogenetic location: 16p13.3.
Variant type: single nucleotide variant.
Coding change: c.3991G>C on transcript NM_000548.5 (MANE Select); coding-DNA position 3991, G replaced by C.
Protein change: p.Asp1331His; replaces aspartic acid 1331 with histidine.
Molecular consequence: missense variant.
Genome position (GRCh38, 1-based): chr16:2,083,802, G>C. VCF-style: chr16-2083802-G-C. GRCh37 (hg19) VCF-style: chr16-2133803-G-C.
Other names: c.3790G>C, p.Asp1264His (NM_001077183.3); c.3922G>C, p.Asp1308His (NM_001114382.3); c.3682G>C, p.Asp1228His (NM_001318827.2); c.3646G>C, p.Asp1216His (NM_001318829.2); c.3259G>C, p.Asp1087His (NM_001318831.2); c.3823G>C, p.Asp1275His (NM_001318832.2); c.3793G>C, p.Asp1265His (NM_001363528.2); c.3859G>C, p.Asp1287His (NM_001370404.1); and 1 more; short protein forms D1264H, D1308H, D1087H, D1216H, D1287H, D1275H, D1288H, D1331H.
Identifiers: ClinVar variation 651961 (VCV000651961.14), dbSNP rs770396146, ClinGen allele CA394297728.
Genomic context (GRCh38, chr16:2,083,802, plus strand): 5'-CTGGTGGAGCCCCCAGGGTTGGAGGACGTTGAGGCAGCGCTAGGCATGGACAGGCGCACG[G>C]ATGCCTACAGCAGGGTGAGTGTGGCTCAGAGCCTGGACCCTGCTGACCTCGGGGGGCTCC-3'
Protein context (NP_000539.2, residues 1321-1341): EAALGMDRRT[Asp1331His]AYSRSSSVSS

ClinVar aggregate classification (germline): Conflicting classifications of pathogenicity. Review status: criteria provided, conflicting classifications (1 of 4 stars). 5 submissions from 5 submitters: Uncertain significance (4); Benign (1). Last evaluated 2025-12-21.

Conditions:
Tuberous sclerosis syndrome (TSC). Also called: Tuberous sclerosis; Tuberous Sclerosis Complex. Identifiers: Orphanet 805, MedGen C0041341, MONDO:0001734.
Tuberous sclerosis 2 (TSC2). Identifiers: Orphanet 805, MedGen C1860707, MONDO:0013199, OMIM 613254.
Hereditary cancer-predisposing syndrome. Also called: Hereditary Cancer Syndrome; Tumor predisposition; Neoplastic Syndromes, Hereditary; Hereditary neoplastic syndrome. Identifiers: Orphanet 140162, MedGen C0027672, MeSH D009386, MONDO:0015356.

Allele frequency attached by ClinVar (database versions not stated): gnomAD exomes below 0.00001.
gnomAD v4.1: 2 of 1,611,300 alleles (0.00012%); highest among the groups gnomAD compares: Middle Eastern, 0.017%; no homozygotes.

Submissions (5):

Labcorp Genetics (formerly Invitae), Labcorp
Classification: Benign for Tuberous sclerosis 2. Last evaluated: 2025-12-21. Review status: criteria provided, single submitter. Criteria: Invitae Variant Classification Sherloc (09022015). Collection method: clinical testing. Allele origin: germline.

All of Us Research Program, National Institutes of Health
Classification: Uncertain significance for Tuberous sclerosis syndrome. Last evaluated: 2024-08-06. Review status: criteria provided, single submitter. Criteria: ACMG Guidelines, 2015. Collection method: clinical testing. Allele origin: germline. Inheritance: Autosomal dominant inheritance. Observed: 1 variant allele, 1 heterozygote.
Comment: This study involves interpretation of variants in research participants for the purpose of population health screening. Participant phenotype was not available at the time of variant classification. Additional details can be found in publication PMID: 35346344, PMCID: PMC8962531

Ambry Genetics
Classification: Uncertain significance for Hereditary cancer-predisposing syndrome. Last evaluated: 2024-02-22. Review status: criteria provided, single submitter. Criteria: Ambry Variant Classification Scheme 2023. Collection method: clinical testing. Allele origin: germline.
Comment: The p.D1331H variant (also known as c.3991G>C), located in coding exon 32 of the TSC2 gene, results from a G to C substitution at nucleotide position 3991. The aspartic acid at codon 1331 is replaced by histidine, an amino acid with similar properties. This amino acid position is conserved. In addition, the in silico prediction for this alteration is inconclusive. Based on the available evidence, the clinical significance of this alteration remains unclear.

Genome-Nilou Lab
Classification: Uncertain significance for Tuberous sclerosis 2. Last evaluated: 2021-11-07. Review status: criteria provided, single submitter. Criteria: ACMG Guidelines, 2015. Collection method: clinical testing. Allele origin: germline. Affected: no.

GeneDx
Classification: Uncertain significance. Last evaluated: 2019-10-01. Review status: criteria provided, single submitter. Criteria: GeneDx Variant Classification Process June 2021. Collection method: clinical testing. Allele origin: germline. Affected: yes.
Comment: In silico analysis, which includes protein predictors and evolutionary conservation, supports that this variant does not alter protein structure/function; Has not been previously published as pathogenic or benign to our knowledge